The following is an entry in ClinVar:

NM_002519.3(NPAT):c.3932C>T (p.Pro1311Leu)

Gene: NPAT (nuclear protein, coactivator of histone transcription; minus strand). Cytogenetic location: 11q22.3.
Variant type: single nucleotide variant.
Coding change: c.3932C>T on transcript NM_002519.3 (MANE Select); coding-DNA position 3932, C replaced by T.
Protein change: p.Pro1311Leu; replaces proline 1311 with leucine.
Molecular consequence: missense variant.
Genome position (GRCh38, 1-based): chr11:108,161,154, G>A on the plus strand (C>T on the coding strand, the complement: NPAT is on the minus strand). VCF-style: chr11-108161154-G-A. GRCh37 (hg19) VCF-style: chr11-108031881-G-A.
Other names: c.3953C>T, p.Pro1318Leu (NM_001321307.1); short protein forms P1311L, P1318L.
Identifiers: ClinVar variation 2447463 (VCV002447463.2), dbSNP rs2496694014, ClinGen allele CA382509732.

ClinVar aggregate classification (germline): Uncertain significance (1 of 4 stars; one submission).

Allele frequency attached by ClinVar (database versions not stated): gnomAD exomes below 0.00001.
gnomAD v4.1: 1 of 1,614,132 alleles (0.000062%); highest among the groups gnomAD compares: Non-Finnish European, 0.000085%; no homozygotes.

Submission:

Ambry Genetics
Classification: Uncertain significance. Last evaluated: 2022-11-26. Review status: criteria provided, single submitter. Criteria: Ambry Variant Classification Scheme 2023. Collection method: clinical testing. Allele origin: germline.
Comment: The p.P1311L variant (also known as c.3932C>T), located in coding exon 17 of the NPAT gene, results from a C to T substitution at nucleotide position 3932. The proline at codon 1311 is replaced by leucine, an amino acid with similar properties. This amino acid position is conserved. In addition, this alteration is predicted to be tolerated by in silico analysis. Since supporting evidence is limited at this time, the clinical significance of this alteration remains unclear.